The following is an entry in ClinVar:

ClinVar aggregate classification (germline): Uncertain significance. Review status: criteria provided, multiple submitters, no conflicts (2 of 4 stars). 2 submissions from 2 submitters: Uncertain significance (2). Last evaluated 2024-02-16.

Conditions:
Joubert syndrome. Also called: CEREBELLOPARENCHYMAL DISORDER IV; JOUBERT-BOLTSHAUSER SYNDROME; Familial aplasia of the vermis. Identifiers: Orphanet 475, MedGen C5979921, MONDO:0018772.
Meckel-Gruber syndrome. Also called: DYSENCEPHALIA SPLANCHNOCYSTICA; GRUBER SYNDROME; Dysencephalia splachnocystica. Identifiers: Orphanet 564, MedGen C0265215, MONDO:0018921.
Meckel syndrome, type 5 (MKS5). Identifiers: Orphanet 564, MedGen C1969052, MONDO:0012695, OMIM 611561.
Joubert syndrome 7 (JBTS7). Identifiers: Orphanet 220497, MedGen C1969053, MONDO:0012694, OMIM 611560.
COACH syndrome 3. Identifiers: MedGen C5436841, MONDO:0030862, OMIM 619113.

Allele frequency attached by ClinVar (database versions not stated): TOPMed below 0.00001; ExAC 0.00001.

Submissions (2):

Labcorp Genetics (formerly Invitae), Labcorp
Classification: Uncertain significance for Joubert syndrome; Meckel-Gruber syndrome. Last evaluated: 2024-02-16. Review status: criteria provided, single submitter. Criteria: Invitae Variant Classification Sherloc (09022015). Collection method: clinical testing. Allele origin: germline.
Comment: This sequence change replaces valine, which is neutral and non-polar, with isoleucine, which is neutral and non-polar, at codon 975 of the RPGRIP1L protein (p.Val975Ile). This variant is present in population databases (rs773177044, gnomAD 0.006%). This variant has not been reported in the literature in individuals affected with RPGRIP1L-related conditions. ClinVar contains an entry for this variant (Variation ID: 2120382). Advanced modeling of protein sequence and biophysical properties (such as structural, functional, and spatial information, amino acid conservation, physicochemical variation, residue mobility, and thermodynamic stability) performed at Invitae indicates that this missense variant is not expected to disrupt RPGRIP1L protein function with a negative predictive value of 80%. In summary, the available evidence is currently insufficient to determine the role of this variant in disease. Therefore, it has been classified as a Variant of Uncertain Significance.

Fulgent Genetics
Classification: Uncertain significance for Joubert syndrome 7; Meckel syndrome, type 5; COACH syndrome 3. Last evaluated: 2024-02-05. Review status: criteria provided, single submitter. Criteria: ACMG Guidelines, 2015. Collection method: clinical testing. Allele origin: germline.

NM_015272.5(RPGRIP1L):c.2923G>A (p.Val975Ile)

Gene: RPGRIP1L (RPGRIP1 like; minus strand). Cytogenetic location: 16q12.2.
Variant type: single nucleotide variant.
Coding change: c.2923G>A on transcript NM_015272.5 (MANE Select); coding-DNA position 2923, G replaced by A.
Protein change: p.Val975Ile; replaces valine 975 with isoleucine.
Molecular consequence: missense variant.
Genome position (GRCh38, 1-based): chr16:53,641,068, C>T on the plus strand (G>A on the coding strand, the complement: RPGRIP1L is on the minus strand). VCF-style: chr16-53641068-C-T. GRCh37 (hg19) VCF-style: chr16-53674980-C-T.
Other names: c.2923G>A, p.Val975Ile (NM_001127897.4, NM_001308334.3, NM_001330538.2); short protein forms V975I.
Identifiers: ClinVar variation 2120382 (VCV002120382.5), dbSNP rs773177044, ClinGen allele CA8057419.